The following is an entry in ClinVar:

NM_000153.4(GALC):c.977C>T (p.Thr326Met)

Gene: GALC (galactosylceramidase; minus strand). Cytogenetic location: 14q31.3.
Variant type: single nucleotide variant.
Coding change: c.977C>T on transcript NM_000153.4 (MANE Select); coding-DNA position 977, C replaced by T.
Protein change: p.Thr326Met; replaces threonine 326 with methionine.
Molecular consequence: missense variant.
Genome position (GRCh38, 1-based): chr14:87,965,561, G>A on the plus strand (C>T on the coding strand, the complement: GALC is on the minus strand). VCF-style: chr14-87965561-G-A. GRCh37 (hg19) VCF-style: chr14-88431905-G-A.
Other names: c.908C>T, p.Thr303Met (NM_001201401.2); c.899C>T, p.Thr300Met (NM_001201402.2); short protein forms T300M, T326M, T303M.
Identifiers: ClinVar variation 2137614 (VCV002137614.6), dbSNP rs748094096, ClinGen allele CA7297187.
Genomic context (GRCh38, chr14:87,965,561, plus strand): 5'-ATACCTGATACCCAGACAGGAGATTCTACCACGTAGTGCCCACTCCATGGCTCCTGGGCC[G>A]TCATCAACCCGCATCTCCCATAAGGCAACTGTTCATAGTAACTAGCCACTAAATTCCATG-3'
Protein context (NP_000144.2, residues 316-336): QLPYGRCGLM[Thr326Met]AQEPWSGHYV

ClinVar aggregate classification (germline): Uncertain significance. Review status: criteria provided, multiple submitters, no conflicts (2 of 4 stars). 2 submissions from 2 submitters: Uncertain significance (2). Last evaluated 2024-01-14.

Conditions:
Galactosylceramide beta-galactosidase deficiency. Also called: Krabbe Disease; GALACTOCEREBROSIDASE DEFICIENCY; GALC DEFICIENCY; GLOBOID CELL LEUKOENCEPHALOPATHY; Leukodystrophy, Globoid Cell. Identifiers: Orphanet 487, MedGen C0023521, MONDO:0009499, OMIM 245200.

Allele frequency attached by ClinVar (database versions not stated): gnomAD 0.00001; ExAC 0.00004.
gnomAD v4.1: 24 of 1,613,144 alleles (0.0015%); highest among the groups gnomAD compares: Admixed American, 0.005%; no homozygotes.

Submissions (2):

Labcorp Genetics (formerly Invitae), Labcorp
Classification: Uncertain significance for Galactosylceramide beta-galactosidase deficiency. Last evaluated: 2024-01-14. Review status: criteria provided, single submitter. Criteria: Invitae Variant Classification Sherloc (09022015). Collection method: clinical testing. Allele origin: germline.
Comment: This sequence change replaces threonine, which is neutral and polar, with methionine, which is neutral and non-polar, at codon 326 of the GALC protein (p.Thr326Met). This variant is present in population databases (rs748094096, gnomAD 0.01%). This missense change has been observed in individual(s) with clinical features of Krabbe disease (PMID: 26795590). ClinVar contains an entry for this variant (Variation ID: 2137614). Advanced modeling of protein sequence and biophysical properties (such as structural, functional, and spatial information, amino acid conservation, physicochemical variation, residue mobility, and thermodynamic stability) performed at Invitae indicates that this missense variant is expected to disrupt GALC protein function with a positive predictive value of 95%. Algorithms developed to predict the effect of sequence changes on RNA splicing suggest that this variant may disrupt the consensus splice site. In summary, the available evidence is currently insufficient to determine the role of this variant in disease. Therefore, it has been classified as a Variant of Uncertain Significance.

Revvity Omics, Revvity
Classification: Uncertain significance. Last evaluated: 2023-03-02. Review status: criteria provided, single submitter. Criteria: ACMG Guidelines, 2015. Collection method: clinical testing. Allele origin: germline.

Literature cited by the submitters: PubMed 26795590 (cited by Labcorp Genetics (formerly Invitae), Labcorp).